The following is an entry in ClinVar:

ClinVar aggregate classification (germline): Pathogenic (1 of 4 stars; one submission).

Conditions:
Joubert syndrome. Also called: CEREBELLOPARENCHYMAL DISORDER IV; JOUBERT-BOLTSHAUSER SYNDROME; Familial aplasia of the vermis. Identifiers: Orphanet 475, MedGen C5979921, MONDO:0018772.

Allele frequency attached by ClinVar (database versions not stated): gnomAD exomes below 0.00001 and 0.00002; gnomAD 0.00001; TOPMed 0.00001; ExAC 0.00003.

Submission:

Labcorp Genetics (formerly Invitae), Labcorp
Classification: Pathogenic for Joubert syndrome. Last evaluated: 2024-09-22. Review status: criteria provided, single submitter. Criteria: Invitae Variant Classification Sherloc (09022015). Collection method: clinical testing. Allele origin: germline.
Comment: This sequence change creates a premature translational stop signal (p.Asp438Glyfs*2) in the AHI1 gene. It is expected to result in an absent or disrupted protein product. Loss-of-function variants in AHI1 are known to be pathogenic (PMID: 15322546, 16453322, 28442542, 29186038). The frequency data for this variant in the population databases is considered unreliable, as metrics indicate poor data quality at this position in the gnomAD database. This variant has not been reported in the literature in individuals affected with AHI1-related conditions. ClinVar contains an entry for this variant (Variation ID: 862509). For these reasons, this variant has been classified as Pathogenic.

Literature cited by the submitters: PubMed 15322546; PubMed 16453322; PubMed 28442542; PubMed 29186038.

NM_001134831.2(AHI1):c.1312dup (p.Asp438fs)

Gene: AHI1 (Abelson helper integration site 1; minus strand). Cytogenetic location: 6q23.3.
Variant type: Duplication.
Coding change: c.1312dup on transcript NM_001134831.2 (MANE Select); coding-DNA position 1312, one base duplicated (G; older notation c.1312dupG).
Protein change: p.Asp438fs; shifts the reading frame from aspartic acid 438.
Molecular consequence: frameshift variant.
Genome position (GRCh38, 1-based): chr6:135,455,766, C duplicated on the plus strand (G on the coding strand, the reverse complement: AHI1 is on the minus strand). VCF-style (leftmost placement, unchanged base first): chr6-135455765-T-TC. GRCh37 (hg19) VCF-style: chr6-135776903-T-TC.
Other names: c.1312dup, p.Asp438fs (NM_001134830.2, NM_001134832.2, NM_001350503.2 and 2 more transcripts); short protein forms D438fs.
Identifiers: ClinVar variation 862509 (VCV000862509.6), dbSNP rs748438350, ClinGen allele CA4012622.